The following is an entry in ClinVar:

ClinVar aggregate classification (germline): Likely benign. Review status: criteria provided, multiple submitters, no conflicts (2 of 4 stars). 2 submissions from 2 submitters: Likely benign (2). Last evaluated 2026-09-10.

Conditions:
GSN-related disorder. Also called: GSN-related condition.

Allele frequency attached by ClinVar (database versions not stated): gnomAD exomes 0.00002 and 0.00006; gnomAD 0.00003 and 0.00004; TOPMed 0.00003.
gnomAD v4.1: 92 of 1,534,600 alleles (0.006%); highest among the groups gnomAD compares: Non-Finnish European, 0.0074%; no homozygotes.

Submissions (2):

PreventionGenetics, part of Exact Sciences
Classification: Likely benign for GSN-related condition. Last evaluated: 2026-09-10. Review status: criteria provided, single submitter. Criteria: ACMG Guidelines, 2015. Collection method: clinical testing. Allele origin: germline.
Comment: This variant is classified as likely benign based on ACMG/AMP sequence variant interpretation guidelines (Richards et al. 2015 PMID: 25741868, with internal and published modifications).

Labcorp Genetics (formerly Invitae), Labcorp
Classification: Likely benign. Last evaluated: 2025-08-03. Review status: criteria provided, single submitter. Criteria: Invitae Variant Classification Sherloc (09022015). Collection method: clinical testing. Allele origin: germline.

NM_198252.3(GSN):c.1338G>A (p.Gln446=)

Gene: GSN (gelsolin; plus strand). Cytogenetic location: 9q33.2.
Variant type: single nucleotide variant.
Coding change: c.1338G>A on transcript NM_198252.3 (MANE Select); coding-DNA position 1338, G replaced by A.
Protein change: p.Gln446=; no amino-acid change (glutamine 446 retained).
Molecular consequence: synonymous variant.
Genome position (GRCh38, 1-based): chr9:121,324,566, G>A. VCF-style: chr9-121324566-G-A. GRCh37 (hg19) VCF-style: chr9-124086844-G-A.
Other names: c.1491G>A, p.Gln497= (NM_000177.5); c.1338G>A, p.Gln446= (NM_001127662.2, NM_001127664.2, NM_001127665.2 and 10 more transcripts); c.1446G>A, p.Gln482= (NM_001127663.2); c.1371G>A, p.Gln457= (NM_001127666.2, NM_001127667.2, NM_001353063.2 and 13 more transcripts); c.1389G>A, p.Gln463= (NM_001258029.2); c.1362G>A, p.Gln454= (NM_001258030.2); c.1410G>A, p.Gln470= (NM_001353076.2); c.684G>A, p.Gln228= (NM_001353078.2); and 1 more.
Identifiers: ClinVar variation 1657860 (VCV001657860.9), dbSNP rs759150461, ClinGen allele CA5221222.
Genomic context (GRCh38, chr9:121,324,566, plus strand): 5'-TCAGGGCTCTGTGTGCACCCTGATGCTGAATCTCACTTCCCCTTCCAGGCAGGGTGCCCA[G>A]TCTACCCAGGATGAGGTCGCTGCATCTGCCATCCTGACTGCTCAGCTGGATGAGGAGCTG-3'
Protein context (NP_937895.1, residues 436-456): GQIIYNWQGA[Gln446=]STQDEVAASA